The following is an entry in ClinVar:

NM_018127.7(ELAC2):c.1389C>T (p.Tyr463=)

Gene: ELAC2 (elaC ribonuclease Z 2; minus strand). Cytogenetic location: 17p12.
Variant type: single nucleotide variant.
Coding change: c.1389C>T on transcript NM_018127.7 (MANE Select); coding-DNA position 1389, C replaced by T.
Protein change: p.Tyr463=; no amino-acid change (tyrosine 463 retained).
Molecular consequence: synonymous variant.
Genome position (GRCh38, 1-based): chr17:13,000,190, G>A on the plus strand (C>T on the coding strand, the complement: ELAC2 is on the minus strand). VCF-style: chr17-13000190-G-A. GRCh37 (hg19) VCF-style: chr17-12903507-G-A.
Other names: c.1269C>T, p.Tyr423= (NM_001165962.2); c.1386C>T, p.Tyr462= (NM_173717.2); c.1269C>T (NM_001165962.1).
Identifiers: ClinVar variation 380508 (VCV000380508.16), dbSNP rs77972324, ClinGen allele CA8401229.

ClinVar aggregate classification (germline): Benign. Review status: criteria provided, multiple submitters, no conflicts (2 of 4 stars). 5 submissions from 5 submitters: Benign (4). 1 of the submissions does not count toward it. Last evaluated 2026-02-04.

Conditions:
Prostate cancer, hereditary, 2 (HPC2). Identifiers: Orphanet 1331, MedGen C3539120, MONDO:0013872, OMIM 614731.
Combined oxidative phosphorylation defect type 17. Also called: Combined oxidative phosphorylation deficiency 17. Identifiers: Orphanet 369913, MedGen C3809526, MONDO:0014190, OMIM 615440.

Allele frequency attached by ClinVar (database versions not stated): gnomAD 0.01337 and 0.01451; 1000 Genomes Project 0.01338; 1000 Genomes Project 30x 0.01405; TOPMed 0.01537; ESP Exome Variant Server 0.01638.
gnomAD v4.1: 3,865 of 1,613,970 alleles (0.24%); highest among the groups gnomAD compares: African/African-American, 4.6%; 73 homozygotes.

Submissions (5):

Labcorp Genetics (formerly Invitae), Labcorp
Classification: Benign for Combined oxidative phosphorylation defect type 17. Last evaluated: 2026-02-04. Review status: criteria provided, single submitter. Criteria: Invitae Variant Classification Sherloc (09022015). Collection method: clinical testing. Allele origin: germline.

KCCC/NGS Laboratory, Kuwait Cancer Control Center
Classification: Benign for Prostate cancer, hereditary, 2. Last evaluated: 2023-07-07. Review status: criteria provided, single submitter. Criteria: ACMG Guidelines, 2015. Collection method: clinical testing. Allele origin: germline. Affected: yes.

GeneDx
Classification: Benign. Last evaluated: 2016-02-09. Review status: criteria provided, single submitter. Criteria: GeneDx Variant Classification (06012015). Collection method: clinical testing. Allele origin: germline. Affected: yes.
Comment: This variant is considered likely benign or benign based on one or more of the following criteria: it is a conservative change, it occurs at a poorly conserved position in the protein, it is predicted to be benign by multiple in silico algorithms, and/or has population frequency not consistent with disease.

Breakthrough Genomics
Classification: Benign. Review status: criteria provided, single submitter. Criteria: ACMG Guidelines, 2015. Collection method: not provided. Allele origin: germline. Inheritance: Autosomal recessive inheritance. Affected: yes.

Mayo Clinic Laboratories, Mayo Clinic
Classification: Benign. Last evaluated: 2017-09-15. Review status: no assertion criteria provided. Collection method: clinical testing. Allele origin: unknown. Not counted in ClinVar's aggregate classification.